The following is an entry in ClinVar:

ClinVar aggregate classification (germline): Uncertain significance (1 of 4 stars; one submission).

gnomAD v4.1: 3 of 1,614,052 alleles (0.00019%); highest among the groups gnomAD compares: Non-Finnish European, 0.00025%; no homozygotes.

Submission:

Labcorp Genetics (formerly Invitae), Labcorp
Classification: Uncertain significance. Last evaluated: 2022-10-25. Review status: criteria provided, single submitter. Criteria: Invitae Variant Classification Sherloc (09022015). Collection method: clinical testing. Allele origin: germline.
Comment: In summary, the available evidence is currently insufficient to determine the role of this variant in disease. Therefore, it has been classified as a Variant of Uncertain Significance. Advanced modeling of protein sequence and biophysical properties (such as structural, functional, and spatial information, amino acid conservation, physicochemical variation, residue mobility, and thermodynamic stability) performed at Invitae indicates that this missense variant is not expected to disrupt P2RX2 protein function. ClinVar contains an entry for this variant (Variation ID: 1460473). This variant has not been reported in the literature in individuals affected with P2RX2-related conditions. This variant is not present in population databases (gnomAD no frequency). This sequence change replaces leucine, which is neutral and non-polar, with phenylalanine, which is neutral and non-polar, at codon 234 of the P2RX2 protein (p.Leu234Phe).

NM_170682.4(P2RX2):c.700C>T (p.Leu234Phe)

Gene: P2RX2 (purinergic receptor P2X 2; plus strand). Cytogenetic location: 12q24.33.
Variant type: single nucleotide variant.
Coding change: c.700C>T on transcript NM_170682.4 (MANE Select); coding-DNA position 700, C replaced by T.
Protein change: p.Leu234Phe; replaces leucine 234 with phenylalanine.
Molecular consequence: missense variant.
Genome position (GRCh38, 1-based): chr12:132,620,509, C>T. VCF-style: chr12-132620509-C-T. GRCh37 (hg19) VCF-style: chr12-133197095-C-T.
Other names: c.593C>T, p.Pro198Leu (NM_001282164.2); c.700C>T, p.Leu234Phe (NM_001282165.2, NM_170683.4, NM_174873.3); c.484C>T, p.Leu162Phe (NM_012226.5); c.628C>T, p.Leu210Phe (NM_016318.4); c.424C>T, p.Leu142Phe (NM_174872.3); short protein forms L142F, P198L, L210F, L162F, L234F.
Identifiers: ClinVar variation 1460473 (VCV001460473.6), dbSNP rs777917433, ClinGen allele CA387360147.